The following is an entry in ClinVar:

ClinVar aggregate classification (germline): Uncertain significance. Review status: criteria provided, multiple submitters, no conflicts (2 of 4 stars). 4 submissions from 4 submitters: Uncertain significance (4). Last evaluated 2025-07-28.

Conditions:
Hereditary cancer-predisposing syndrome. Also called: Neoplastic Syndromes, Hereditary; Hereditary Cancer Syndrome; Tumor predisposition; Hereditary neoplastic syndrome. Identifiers: Orphanet 140162, MedGen C0027672, MeSH D009386, MONDO:0015356.
Ataxia-telangiectasia syndrome (AT). Also called: LOUIS-BAR SYNDROME; Cerebello-oculocutaneous telangiectasia; Immunodeficiency with ataxia telangiectasia; Ataxia-telangiectasia, complementation group D; AT, COMPLEMENTATION GROUP C; Ataxia-telangiectasia, complementation group E. Identifiers: Orphanet 100, MedGen C0004135, MONDO:0008840, OMIM 208900.

Allele frequency attached by ClinVar (database versions not stated): gnomAD exomes below 0.00001 and 0.00001.
gnomAD v4.1: 2 of 1,614,050 alleles (0.00012%); highest among the groups gnomAD compares: Admixed American, 0.0033%; no homozygotes.

Submissions (4):

Ambry Genetics
Classification: Uncertain significance for Hereditary cancer-predisposing syndrome. Last evaluated: 2025-07-28. Review status: criteria provided, single submitter. Criteria: Ambry Variant Classification Scheme 2023. Collection method: clinical testing. Allele origin: germline.
Comment: The p.R2400I variant (also known as c.7199G>T), located in coding exon 48 of the ATM gene, results from a G to T substitution at nucleotide position 7199. The arginine at codon 2400 is replaced by isoleucine, an amino acid with similar properties. This amino acid position is not well conserved in available vertebrate species. In addition, the in silico prediction for this alteration is inconclusive. Since supporting evidence is limited at this time, the clinical significance of this alteration remains unclear.

Labcorp Genetics (formerly Invitae), Labcorp
Classification: Uncertain significance for Ataxia-telangiectasia syndrome. Last evaluated: 2025-04-29. Review status: criteria provided, single submitter. Criteria: Invitae Variant Classification Sherloc (09022015). Collection method: clinical testing. Allele origin: germline.
Comment: This sequence change replaces arginine, which is basic and polar, with isoleucine, which is neutral and non-polar, at codon 2400 of the ATM protein (p.Arg2400Ile). This variant is present in population databases (no rsID available, gnomAD 0.006%). This variant has not been reported in the literature in individuals affected with ATM-related conditions. ClinVar contains an entry for this variant (Variation ID: 485206). Invitae Evidence Modeling of protein sequence and biophysical properties (such as structural, functional, and spatial information, amino acid conservation, physicochemical variation, residue mobility, and thermodynamic stability) indicates that this missense variant is not expected to disrupt ATM protein function with a negative predictive value of 95%. In summary, the available evidence is currently insufficient to determine the role of this variant in disease. Therefore, it has been classified as a Variant of Uncertain Significance.

GeneDx
Classification: Uncertain significance. Last evaluated: 2024-05-08. Review status: criteria provided, single submitter. Criteria: GeneDx Variant Classification Process June 2021. Collection method: clinical testing. Allele origin: germline. Affected: yes.
Comment: Not observed at significant frequency in large population cohorts (gnomAD); In silico analysis supports that this missense variant has a deleterious effect on protein structure/function; Has not been previously published as pathogenic or benign to our knowledge; This variant is associated with the following publications: (PMID: 23532176)

Color Diagnostics, LLC DBA Color Health
Classification: Uncertain significance for Hereditary cancer-predisposing syndrome. Last evaluated: 2021-04-20. Review status: criteria provided, single submitter. Criteria: ACMG Guidelines, 2015. Collection method: clinical testing. Allele origin: germline.
Comment: This missense variant replaces arginine with isoleucine at codon 2400 of the ATM protein. Computational prediction suggests that this variant may not impact protein structure and function (internally defined REVEL score threshold <= 0.5, PMID: 27666373). To our knowledge, functional studies have not been reported for this variant. This variant has not been reported in individuals affected with hereditary cancer in the literature. This variant has been identified in 2/251286 chromosomes in the general population by the Genome Aggregation Database (gnomAD). The available evidence is insufficient to determine the role of this variant in disease conclusively. Therefore, this variant is classified as a Variant of Uncertain Significance.

NM_000051.4(ATM):c.7199G>T (p.Arg2400Ile)

Genes: ATM (ATM serine/threonine kinase; plus strand), C11orf65 (chromosome 11 open reading frame 65; minus strand). Cytogenetic location: 11q22.3.
Variant type: single nucleotide variant.
Coding change: c.7199G>T on transcript NM_000051.4 (MANE Select); coding-DNA position 7199, G replaced by T.
Protein change: p.Arg2400Ile; replaces arginine 2400 with isoleucine.
Molecular consequence: missense variant. On other transcripts: intron variant (2).
Genome position (GRCh38, 1-based): chr11:108,329,130, G>T. VCF-style: chr11-108329130-G-T. GRCh37 (hg19) VCF-style: chr11-108199857-G-T.
Other names: c.7199G>T, p.Arg2400Ile (NM_001351834.2); c.641-20059C>A (NM_001330368.2); c.*38+6090C>A (NM_001351110.2); short protein forms R2400I.
Identifiers: ClinVar variation 485206 (VCV000485206.20), dbSNP rs567457294, ClinGen allele CA382559612.